The following is an entry in ClinVar:

NM_001379291.1(BRD4):c.2833C>G (p.Leu945Val)

Gene: BRD4 (bromodomain containing 4; minus strand). Cytogenetic location: 19p13.12.
Variant type: single nucleotide variant.
Coding change: c.2833C>G on transcript NM_001379291.1 (MANE Select); coding-DNA position 2833, C replaced by G.
Protein change: p.Leu945Val; replaces leucine 945 with valine.
Molecular consequence: missense variant.
Genome position (GRCh38, 1-based): chr19:15,243,236, G>C on the plus strand (C>G on the coding strand, the complement: BRD4 is on the minus strand). VCF-style: chr19-15243236-G-C. GRCh37 (hg19) VCF-style: chr19-15354047-G-C.
Other names: c.2833C>G, p.Leu945Val (NM_058243.3); short protein forms L945V.
Identifiers: ClinVar variation 3600936 (VCV003600936.1).
Genomic context (GRCh38, chr19:15,243,236, plus strand): 5'-AGGGGTGGGGTGGGGGCGGCAGGGGGGGTGGGGGCTGGGACTGCACCTTCACGGAAGGGA[G>C]TAGCGGCGTAGGGGGCTGCACCTTCTGCAGCTGCTGCAGGTACAGCTGCATCTGCATGGA-3'
Protein context (NP_001366220.1, residues 935-955): LQKVQPPTPL[Leu945Val]PSVKVQSQPP

ClinVar aggregate classification (germline): Uncertain significance (1 of 4 stars; one submission).

Submission:

GeneDx
Classification: Uncertain significance. Last evaluated: 2024-07-22. Review status: criteria provided, single submitter. Criteria: GeneDx Variant Classification Process June 2021. Collection method: clinical testing. Allele origin: germline. Affected: yes.
Comment: Not observed at significant frequency in large population cohorts (gnomAD); In silico analysis indicates that this missense variant does not alter protein structure/function; Has not been previously published as pathogenic or benign to our knowledge